The following is an entry in ClinVar:

NM_001384140.1(PCDH15):c.3590T>G (p.Val1197Gly)

Gene: PCDH15 (protocadherin related 15; minus strand). Cytogenetic location: 10q21.1.
Variant type: single nucleotide variant.
Coding change: c.3590T>G on transcript NM_001384140.1 (MANE Select); coding-DNA position 3590, T replaced by G.
Protein change: p.Val1197Gly; replaces valine 1197 with glycine.
Molecular consequence: missense variant.
Genome position (GRCh38, 1-based): chr10:53,866,769, A>C on the plus strand (T>G on the coding strand, the complement: PCDH15 is on the minus strand). VCF-style: chr10-53866769-A-C. GRCh37 (hg19) VCF-style: chr10-55626529-A-C.
Other names: c.3605T>G, p.Val1202Gly (NM_001142763.2, NM_001142771.2); c.3590T>G, p.Val1197Gly (NM_001142764.2, NM_001142766.2, NM_001142770.3 and 4 more transcripts); c.3377T>G, p.Val1126Gly (NM_001142765.2); c.3479T>G, p.Val1160Gly (NM_001142767.2); c.3524T>G, p.Val1175Gly (NM_001142768.2, NM_001142773.2, NM_001354404.2); c.3626T>G, p.Val1209Gly (NM_001142769.4); c.3611T>G, p.Val1204Gly (NM_001354411.2); short protein forms V1160G, V1175G, V1202G, V1209G, V1197G, V1126G, V1204G.
Identifiers: ClinVar variation 2125674 (VCV002125674.4), dbSNP rs2493336968, ClinGen allele CA376517313.

ClinVar aggregate classification (germline): Uncertain significance (1 of 4 stars; one submission).

Submission:

Labcorp Genetics (formerly Invitae), Labcorp
Classification: Uncertain significance. Last evaluated: 2022-04-12. Review status: criteria provided, single submitter. Criteria: Invitae Variant Classification Sherloc (09022015). Collection method: clinical testing. Allele origin: germline.
Comment: In summary, the available evidence is currently insufficient to determine the role of this variant in disease. Therefore, it has been classified as a Variant of Uncertain Significance. Algorithms developed to predict the effect of missense changes on protein structure and function (SIFT, PolyPhen-2, Align-GVGD) all suggest that this variant is likely to be tolerated. This variant has not been reported in the literature in individuals affected with PCDH15-related conditions. This variant is not present in population databases (gnomAD no frequency). This sequence change replaces valine, which is neutral and non-polar, with glycine, which is neutral and non-polar, at codon 1197 of the PCDH15 protein (p.Val1197Gly).